The following is an entry in ClinVar:

NM_001142800.2(EYS):c.6102del (p.Phe2034fs)

Gene: EYS (EGF-like photoreceptor maintenance factor; minus strand). Cytogenetic location: 6q12.
Variant type: Deletion.
Coding change: c.6102del on transcript NM_001142800.2 (MANE Select); coding-DNA position 6102, one base deleted (T; older notation c.6102delT).
Protein change: p.Phe2034fs; shifts the reading frame from phenylalanine 2034.
Molecular consequence: frameshift variant.
Genome position (GRCh38, 1-based): chr6:64,307,059, A deleted on the plus strand (T on the coding strand, the reverse complement: EYS is on the minus strand); the first of 4 consecutive A bases (chr6:64,307,059-64,307,062); deleting any one gives the same sequence. VCF-style (leftmost placement, unchanged base first): chr6-64307058-TA-T. GRCh37 (hg19) VCF-style: chr6-65016951-TA-T.
Other names: c.6102del, p.Phe2034fs (NM_001292009.2); short protein forms F2034fs.
Identifiers: ClinVar variation 649430 (VCV000649430.7), dbSNP rs1582571021, ClinGen allele CA915944320.

ClinVar aggregate classification (germline): Pathogenic (1 of 4 stars; one submission).

Submission:

Labcorp Genetics (formerly Invitae), Labcorp
Classification: Pathogenic. Last evaluated: 2022-10-26. Review status: criteria provided, single submitter. Criteria: Invitae Variant Classification Sherloc (09022015). Collection method: clinical testing. Allele origin: germline.
Comment: ClinVar contains an entry for this variant (Variation ID: 649430). For these reasons, this variant has been classified as Pathogenic. This variant has not been reported in the literature in individuals affected with EYS-related conditions. This variant is not present in population databases (gnomAD no frequency). This sequence change creates a premature translational stop signal (p.Phe2034Leufs*5) in the EYS gene. It is expected to result in an absent or disrupted protein product. Loss-of-function variants in EYS are known to be pathogenic (PMID: 18836446, 20333770).

Literature cited by the submitters: PubMed 18836446; PubMed 20333770.